The following is an entry in ClinVar:

NM_001005273.3(CHD3):c.3559C>T (p.Arg1187Cys)

Gene: CHD3 (chromodomain helicase DNA binding protein 3; plus strand). Cytogenetic location: 17p13.1.
Variant type: single nucleotide variant.
Coding change: c.3559C>T on transcript NM_001005273.3 (MANE Select); coding-DNA position 3559, C replaced by T.
Protein change: p.Arg1187Cys; replaces arginine 1187 with cysteine.
Molecular consequence: missense variant.
Genome position (GRCh38, 1-based): chr17:7,903,335, C>T. VCF-style: chr17-7903335-C-T. GRCh37 (hg19) VCF-style: chr17-7806653-C-T.
Other names: c.3736C>T, p.Arg1246Cys (NM_001005271.3); c.3559C>T, p.Arg1187Cys (NM_005852.4); short protein forms R1187C, R1246C.
Identifiers: ClinVar variation 1384736 (VCV001384736.9), dbSNP rs2151603656, ClinGen allele CA397942171.
Genomic context (GRCh38, chr17:7,903,335, plus strand): 5'-TTTAGCCGGGCTCATCGGATTGGCCAGGCCAACAAAGTGATGATTTACCGGTTTGTGACT[C>T]GCGCGTCAGTGGAAGAGCGAATCACACAAGTGGCCAAGAGAAAGATGATGCTGACACACC-3'
Protein context (NP_001005273.1, residues 1177-1197): NKVMIYRFVT[Arg1187Cys]ASVEERITQV

ClinVar aggregate classification (germline): Conflicting classifications of pathogenicity. Review status: criteria provided, conflicting classifications (1 of 4 stars). 3 submissions from 3 submitters: Pathogenic (2); Uncertain significance (1). Last evaluated 2025-11-13.

Conditions:
Snijders Blok-Campeau syndrome. Also called: INTELLECTUAL DEVELOPMENTAL DISORDER WITH MACROCEPHALY, SPEECH DELAY, AND DYSMORPHIC FACIES. Identifiers: Orphanet 599082, MedGen C4748701, MONDO:0032600, OMIM 618205.

Submissions (3):

Institute of Human Genetics, FAU Erlangen, Friedrich-Alexander-Universität Erlangen-Nürnberg
Classification: Pathogenic for Snijders Blok-Campeau syndrome. Last evaluated: 2025-11-13. Review status: criteria provided, single submitter. Criteria: Hauer et al. (Genet Med. 2018). Collection method: clinical testing. Allele origin: germline. Inheritance: Autosomal dominant inheritance. Affected: yes. Observed: 1 variant allele.
Comment: This variant has been identified by standard clinical testing. Selected ACMG criteria: Pathogenic (III):PP5;PP3;PM5;PM2;PM1;PS2

GeneDx
Classification: Pathogenic. Last evaluated: 2025-04-16. Review status: criteria provided, single submitter. Criteria: GeneDx Variant Classification Process June 2021. Collection method: clinical testing. Allele origin: germline.
Comment: Has not been previously published as pathogenic or benign to our knowledge; Not observed at significant frequency in large population cohorts (gnomAD); In silico analysis supports that this missense variant has a deleterious effect on protein structure/function; This variant is associated with the following publications: (PMID: 30397230)

Labcorp Genetics (formerly Invitae), Labcorp
Classification: Uncertain significance. Last evaluated: 2021-10-05. Review status: criteria provided, single submitter. Criteria: Invitae Variant Classification Sherloc (09022015). Collection method: clinical testing. Allele origin: germline.
Comment: This variant is not present in population databases (ExAC no frequency). In summary, the available evidence is currently insufficient to determine the role of this variant in disease. Therefore, it has been classified as a Variant of Uncertain Significance. This variant disrupts the p.Arg1246 amino acid residue in CHD3. Other variant(s) that disrupt this residue have been determined to be pathogenic (PMID: 30397230). This suggests that this residue is clinically significant, and that variants that disrupt this residue are likely to be disease-causing. Algorithms developed to predict the effect of missense changes on protein structure and function (SIFT, PolyPhen-2, Align-GVGD) all suggest that this variant is likely to be disruptive. This variant has not been reported in the literature in individuals affected with CHD3-related conditions. This sequence change replaces arginine with cysteine at codon 1246 of the CHD3 protein (p.Arg1246Cys). The arginine residue is highly conserved and there is a large physicochemical difference between arginine and cysteine.

Literature cited by the submitters: PubMed 30397230 (cited by Labcorp Genetics (formerly Invitae), Labcorp).